The following is an entry in ClinVar:

ClinVar aggregate classification (germline): Likely pathogenic (1 of 4 stars; one submission).

Allele frequency attached by ClinVar (database versions not stated): gnomAD exomes below 0.00001.
gnomAD v4.1: 1 of 1,609,554 alleles (0.000062%); highest among the groups gnomAD compares: Non-Finnish European, 0.000085%; no homozygotes.

Submission:

Labcorp Genetics (formerly Invitae), Labcorp
Classification: Likely pathogenic. Last evaluated: 2024-01-19. Review status: criteria provided, single submitter. Criteria: Invitae Variant Classification Sherloc (09022015). Collection method: clinical testing. Allele origin: germline.
Comment: This sequence change affects an acceptor splice site in intron 16 of the TCIRG1 gene. It is expected to disrupt RNA splicing. Variants that disrupt the donor or acceptor splice site typically lead to a loss of protein function (PMID: 16199547), and loss-of-function variants in TCIRG1 are known to be pathogenic (PMID: 10888887, 10942435, 11532986, 19448635). This variant is not present in population databases (gnomAD no frequency). This variant has not been reported in the literature in individuals affected with TCIRG1-related conditions. ClinVar contains an entry for this variant (Variation ID: 2023995). Algorithms developed to predict the effect of sequence changes on RNA splicing suggest that this variant may disrupt the consensus splice site. In summary, the currently available evidence indicates that the variant is pathogenic, but additional data are needed to prove that conclusively. Therefore, this variant has been classified as Likely Pathogenic.

Literature cited by the submitters: PubMed 16199547; PubMed 10888887; PubMed 10942435; PubMed 11532986; PubMed 19448635.

NM_006019.4(TCIRG1):c.2014-2A>G

Gene: TCIRG1 (T cell immune regulator 1, ATPase H+ transporting V0 subunit a3; plus strand). Cytogenetic location: 11q13.2.
Variant type: single nucleotide variant.
Coding change: c.2014-2A>G on transcript NM_006019.4 (MANE Select); the canonical splice acceptor site of the intron before coding-DNA position 2014, A replaced by G.
Molecular consequence: splice acceptor variant.
Genome position (GRCh38, 1-based): chr11:68,049,960, A>G. VCF-style: chr11-68049960-A-G. GRCh37 (hg19) VCF-style: chr11-67817427-A-G.
Other names: c.1120-2A>G (NM_001351059.2); c.1366-2A>G (NM_006053.4).
Identifiers: ClinVar variation 2023995 (VCV002023995.4), dbSNP rs2495666254, ClinGen allele CA381589132.